The following is an entry in ClinVar:

NM_001382391.1(CSPP1):c.1505del (p.Pro502fs)

Gene: CSPP1 (centrosome and spindle pole associated protein 1; plus strand). Cytogenetic location: 8q13.2.
Variant type: Deletion.
Coding change: c.1505del on transcript NM_001382391.1 (MANE Select); coding-DNA position 1505, one base deleted (C; older notation c.1505delC).
Protein change: p.Pro502fs; shifts the reading frame from proline 502.
Molecular consequence: frameshift variant.
Genome position (GRCh38, 1-based): chr8:67,118,256, C deleted; the last of 2 consecutive C bases (chr8:67,118,255-67,118,256); deleting either gives the same sequence. VCF-style (leftmost placement, unchanged base first): chr8-67118254-AC-A. GRCh37 (hg19) VCF-style: chr8-68030489-AC-A.
Other names: c.608del, p.Pro203fs (NM_001291339.2); c.1424del, p.Pro475fs (NM_001363131.2); c.1463del, p.Pro488fs (NM_001363132.2); c.1382del, p.Pro461fs (NM_001363133.2); c.1571del, p.Pro524fs (NM_001364869.1); c.1391del, p.Pro464fs (NM_001364870.1); c.1490delC, p.Pro497Leufs (NM_024790.7); short protein forms P203fs, P488fs, P524fs, P461fs, P464fs, P497fs, P475fs, P502fs.
Identifiers: ClinVar variation 1359163 (VCV001359163.6), dbSNP rs1818317027, ClinGen allele CA1114850046.

ClinVar aggregate classification (germline): Pathogenic (1 of 4 stars; one submission).

Conditions:
Joubert syndrome 21 (JBTS21). Identifiers: MedGen C3810212, MONDO:0014288, OMIM 615636.

Submission:

Labcorp Genetics (formerly Invitae), Labcorp
Classification: Pathogenic for Joubert syndrome 21. Last evaluated: 2021-09-21. Review status: criteria provided, single submitter. Criteria: Invitae Variant Classification Sherloc (09022015). Collection method: clinical testing. Allele origin: germline.
Comment: For these reasons, this variant has been classified as Pathogenic. This variant has not been reported in the literature in individuals affected with CSPP1-related conditions. This variant is not present in population databases (ExAC no frequency). This sequence change creates a premature translational stop signal (p.Pro497Leufs*43) in the CSPP1 gene. It is expected to result in an absent or disrupted protein product. Loss-of-function variants in CSPP1 are known to be pathogenic (PMID: 24360807, 24360808).

Literature cited by the submitters: PubMed 24360807; PubMed 24360808.